The following is an entry in ClinVar:

NM_133497.4(KCNV2):c.133G>A (p.Gly45Ser)

Gene: KCNV2 (potassium voltage-gated channel modifier subfamily V member 2; plus strand). Cytogenetic location: 9p24.2.
Variant type: single nucleotide variant.
Coding change: c.133G>A on transcript NM_133497.4 (MANE Select); coding-DNA position 133, G replaced by A.
Protein change: p.Gly45Ser; replaces glycine 45 with serine.
Molecular consequence: missense variant.
Genome position (GRCh38, 1-based): chr9:2,717,872, G>A. VCF-style: chr9-2717872-G-A. GRCh37 (hg19) VCF-style: chr9-2717872-G-A.
Other names: short protein forms G45S.
Identifiers: ClinVar variation 1511630 (VCV001511630.5), dbSNP rs750453951, ClinGen allele CA4965324.

ClinVar aggregate classification (germline): Uncertain significance (1 of 4 stars; one submission).

Allele frequency attached by ClinVar (database versions not stated): TOPMed 0.00005; gnomAD 0.00001; ExAC 0.00002; gnomAD exomes 0.00003.

Submission:

Labcorp Genetics (formerly Invitae), Labcorp
Classification: Uncertain significance. Last evaluated: 2024-12-02. Review status: criteria provided, single submitter. Criteria: Invitae Variant Classification Sherloc (09022015). Collection method: clinical testing. Allele origin: germline.
Comment: This sequence change replaces glycine, which is neutral and non-polar, with serine, which is neutral and polar, at codon 45 of the KCNV2 protein (p.Gly45Ser). This variant is present in population databases (rs750453951, gnomAD 0.02%). This variant has not been reported in the literature in individuals affected with KCNV2-related conditions. ClinVar contains an entry for this variant (Variation ID: 1511630). Invitae Evidence Modeling of protein sequence and biophysical properties (such as structural, functional, and spatial information, amino acid conservation, physicochemical variation, residue mobility, and thermodynamic stability) indicates that this missense variant is not expected to disrupt KCNV2 protein function with a negative predictive value of 95%. In summary, the available evidence is currently insufficient to determine the role of this variant in disease. Therefore, it has been classified as a Variant of Uncertain Significance.